The following is an entry in ClinVar:

ClinVar aggregate classification (germline): Uncertain significance (1 of 4 stars; one submission).

Conditions:
Hereditary cancer-predisposing syndrome. Also called: Neoplastic Syndromes, Hereditary; Tumor predisposition; Hereditary Cancer Syndrome; Hereditary neoplastic syndrome. Identifiers: Orphanet 140162, MedGen C0027672, MeSH D009386, MONDO:0015356.

Submission:

Ambry Genetics
Classification: Uncertain significance for Hereditary cancer-predisposing syndrome. Last evaluated: 2022-09-18. Review status: criteria provided, single submitter. Criteria: Ambry Variant Classification Scheme 2023. Collection method: clinical testing. Allele origin: germline.
Comment: The p.A363D variant (also known as c.1088C>A), located in coding exon 4 of the ALK gene, results from a C to A substitution at nucleotide position 1088. The alanine at codon 363 is replaced by aspartic acid, an amino acid with dissimilar properties. This amino acid position is conserved. In addition, the in silico prediction for this alteration is inconclusive. Since supporting evidence is limited at this time, the clinical significance of this alteration remains unclear.

NM_004304.5(ALK):c.1088C>A (p.Ala363Asp)

Gene: ALK (ALK receptor tyrosine kinase; minus strand). Cytogenetic location: 2p23.2.
Variant type: single nucleotide variant.
Coding change: c.1088C>A on transcript NM_004304.5 (MANE Select); coding-DNA position 1088, C replaced by A.
Protein change: p.Ala363Asp; replaces alanine 363 with aspartic acid.
Molecular consequence: missense variant.
Genome position (GRCh38, 1-based): chr2:29,531,981, G>T on the plus strand (C>A on the coding strand, the complement: ALK is on the minus strand). VCF-style: chr2-29531981-G-T. GRCh37 (hg19) VCF-style: chr2-29754847-G-T.
Other names: short protein forms A363D.
Identifiers: ClinVar variation 1788168 (VCV001788168.2), dbSNP rs2148158568, ClinGen allele CA346587298.